The following is an entry in ClinVar:

NM_000388.4(CASR):c.1571A>G (p.Asn524Ser)

Gene: CASR (calcium sensing receptor; plus strand). Cytogenetic location: 3q21.1.
Variant type: single nucleotide variant.
Coding change: c.1571A>G on transcript NM_000388.4 (MANE Select); coding-DNA position 1571, A replaced by G.
Protein change: p.Asn524Ser; replaces asparagine 524 with serine.
Molecular consequence: missense variant.
Genome position (GRCh38, 1-based): chr3:122,276,005, A>G. VCF-style: chr3-122276005-A-G. GRCh37 (hg19) VCF-style: chr3-121994852-A-G.
Other names: c.1571A>G, p.Asn524Ser (NM_001178065.2); short protein forms N524S.
Identifiers: ClinVar variation 3755489 (VCV003755489.2).

ClinVar aggregate classification (germline): Uncertain significance (1 of 4 stars; one submission).

Conditions:
Autosomal dominant hypocalcemia 1 (HYPOC1). Also called: HYPOCALCEMIA, FAMILIAL. Identifiers: MedGen C3715128, MONDO:0011013, OMIM 601198.
Familial hypocalciuric hypercalcemia (FHH). Also called: Familial benign hypercalcemia. Identifiers: Orphanet 405, MedGen C1809471, MONDO:0018458.

Submission:

Labcorp Genetics (formerly Invitae), Labcorp
Classification: Uncertain significance for Familial hypocalciuric hypercalcemia; Autosomal dominant hypocalcemia 1. Last evaluated: 2024-03-24. Review status: criteria provided, single submitter. Criteria: Invitae Variant Classification Sherloc (09022015). Collection method: clinical testing. Allele origin: germline.
Comment: This sequence change replaces asparagine, which is neutral and polar, with serine, which is neutral and polar, at codon 524 of the CASR protein (p.Asn524Ser). This variant is not present in population databases (gnomAD no frequency). This variant has not been reported in the literature in individuals affected with CASR-related conditions. An algorithm developed to predict the effect of missense changes on protein structure and function (PolyPhen-2) suggests that this variant is likely to be disruptive. In summary, the available evidence is currently insufficient to determine the role of this variant in disease. Therefore, it has been classified as a Variant of Uncertain Significance.